The following is an entry in ClinVar:

NM_019594.4(LRRC8A):c.2068C>A (p.Leu690Met)

Gene: LRRC8A (leucine rich repeat containing 8 VRAC subunit A; plus strand). Cytogenetic location: 9q34.11.
Variant type: single nucleotide variant.
Coding change: c.2068C>A on transcript NM_019594.4 (MANE Select); coding-DNA position 2068, C replaced by A.
Protein change: p.Leu690Met; replaces leucine 690 with methionine.
Molecular consequence: missense variant.
Genome position (GRCh38, 1-based): chr9:128,909,232, C>A. VCF-style: chr9-128909232-C-A. GRCh37 (hg19) VCF-style: chr9-131671511-C-A.
Other names: c.2068C>A, p.Leu690Met (NM_001127244.2, NM_001127245.2); short protein forms L690M.
Identifiers: ClinVar variation 2751980 (VCV002751980.3), dbSNP rs1282460636, ClinGen allele CA375086811.

ClinVar aggregate classification (germline): Uncertain significance (1 of 4 stars; one submission).

Submission:

Labcorp Genetics (formerly Invitae), Labcorp
Classification: Uncertain significance. Last evaluated: 2023-08-11. Review status: criteria provided, single submitter. Criteria: Invitae Variant Classification Sherloc (09022015). Collection method: clinical testing. Allele origin: germline.
Comment: In summary, the available evidence is currently insufficient to determine the role of this variant in disease. Therefore, it has been classified as a Variant of Uncertain Significance. An algorithm developed to predict the effect of missense changes on protein structure and function (PolyPhen-2) suggests that this variant is likely to be disruptive. This variant has not been reported in the literature in individuals affected with LRRC8A-related conditions. This variant is not present in population databases (gnomAD no frequency). This sequence change replaces leucine, which is neutral and non-polar, with methionine, which is neutral and non-polar, at codon 690 of the LRRC8A protein (p.Leu690Met).